The following is an entry in ClinVar:

NM_000308.4(CTSA):c.376del (p.Leu126fs)

Gene: CTSA (cathepsin A; plus strand). Cytogenetic location: 20q13.12.
Variant type: Deletion.
Coding change: c.376del on transcript NM_000308.4 (MANE Select); coding-DNA position 376, one base deleted (C; older notation c.376delC).
Protein change: p.Leu126fs; shifts the reading frame from leucine 126.
Molecular consequence: frameshift variant. On other transcripts: non-coding transcript variant (1).
Genome position (GRCh38, 1-based): chr20:45,892,416, C deleted; the last of 2 consecutive C bases (chr20:45,892,415-45,892,416); deleting either gives the same sequence. VCF-style (leftmost placement, unchanged base first): chr20-45892414-AC-A. GRCh37 (hg19) VCF-style: chr20-44521053-AC-A.
Other names: c.376del, p.Leu126fs (NM_001127695.3); c.325del, p.Leu109fs (NM_001167594.3); c.430del (NM_000308.2); short protein forms L109fs, L126fs.
Identifiers: ClinVar variation 2114494 (VCV002114494.5), dbSNP rs2515434546, ClinGen allele CA2580098244.

ClinVar aggregate classification (germline): Pathogenic/Likely pathogenic. Review status: criteria provided, multiple submitters, no conflicts (2 of 4 stars). 2 submissions from 2 submitters: Pathogenic (1); Likely pathogenic (1). Last evaluated 2024-11-21.

Conditions:
Combined deficiency of sialidase AND beta galactosidase (GSL). Also called: CATHEPSIN A DEFICIENCY; GOLDBERG SYNDROME; NEURAMINIDASE DEFICIENCY WITH BETA-GALACTOSIDASE DEFICIENCY; NEURAMINIDASE/BETA-GALACTOSIDASE EXPRESSION; PPCA DEFICIENCY; PROTECTIVE PROTEIN/CATHEPSIN A DEFICIENCY. Identifiers: Orphanet 351, MedGen C0268233, MONDO:0009737, OMIM 256540.

Submissions (2):

GeneDx
Classification: Likely pathogenic. Last evaluated: 2024-11-21. Review status: criteria provided, single submitter. Criteria: GeneDx Variant Classification Process June 2021. Collection method: clinical testing. Allele origin: germline. Affected: yes.
Comment: Frameshift variant predicted to result in protein truncation or nonsense mediated decay in a gene for which loss of function is a known mechanism of disease; Not observed at significant frequency in large population cohorts (gnomAD); Has not been previously published as pathogenic or benign to our knowledge

Labcorp Genetics (formerly Invitae), Labcorp
Classification: Pathogenic for Combined deficiency of sialidase AND beta galactosidase. Last evaluated: 2022-03-19. Review status: criteria provided, single submitter. Criteria: Invitae Variant Classification Sherloc (09022015). Collection method: clinical testing. Allele origin: germline.
Comment: This variant is not present in population databases (gnomAD no frequency). This sequence change creates a premature translational stop signal (p.Leu144Trpfs*49) in the CTSA gene. It is expected to result in an absent or disrupted protein product. Loss-of-function variants in CTSA are known to be pathogenic (PMID: 15110321, 23915561). For these reasons, this variant has been classified as Pathogenic. This variant has not been reported in the literature in individuals affected with CTSA-related conditions.

Literature cited by the submitters: PubMed 15110321 (cited by Labcorp Genetics (formerly Invitae), Labcorp); PubMed 23915561 (cited by Labcorp Genetics (formerly Invitae), Labcorp).